The following is an entry in ClinVar:

NM_000195.5(HPS1):c.1285C>T (p.Arg429Cys)

Gene: HPS1 (HPS1 biogenesis of lysosomal organelles complex 3 subunit 1; minus strand). Cytogenetic location: 10q24.2.
Variant type: single nucleotide variant.
Coding change: c.1285C>T on transcript NM_000195.5 (MANE Select); coding-DNA position 1285, C replaced by T.
Protein change: p.Arg429Cys; replaces arginine 429 with cysteine.
Molecular consequence: missense variant.
Genome position (GRCh38, 1-based): chr10:98,425,591, G>A on the plus strand (C>T on the coding strand, the complement: HPS1 is on the minus strand). VCF-style: chr10-98425591-G-A. GRCh37 (hg19) VCF-style: chr10-100185348-G-A.
Other names: c.313C>T, p.Arg105Cys (NM_001311345.2, NM_001322487.2, NM_001322489.2); c.1285C>T, p.Arg429Cys (NM_001322476.2, NM_001322477.2); c.1186C>T, p.Arg396Cys (NM_001322478.2, NM_001322479.2); c.1024C>T, p.Arg342Cys (NM_001322480.2, NM_001322481.2); c.925C>T, p.Arg309Cys (NM_001322482.2); c.916C>T, p.Arg306Cys (NM_001322483.2, NM_001322484.2); c.817C>T, p.Arg273Cys (NM_001322485.2); c.1285C>T (NM_000195.3); short protein forms R105C, R273C, R306C, R309C, R342C, R396C, R429C.
Identifiers: ClinVar variation 990837 (VCV000990837.2), dbSNP rs770233681, ClinGen allele CA5639092.

ClinVar aggregate classification (germline): Uncertain significance. Review status: criteria provided, single submitter (1 of 4 stars). 2 submissions from 2 submitters: Uncertain significance (1). 1 of the submissions does not count toward it. Last evaluated 2024-06-03.

Conditions:
Hermansky-Pudlak syndrome (HPS). Also called: ALBINISM WITH HEMORRHAGIC DIATHESIS AND PIGMENTED RETICULOENDOTHELIAL CELLS. Identifiers: Orphanet 79430, MedGen C0079504, MONDO:0019312.

Allele frequency attached by ClinVar (database versions not stated): ExAC 0.00001; gnomAD exomes 0.00001.
gnomAD v4.1: 11 of 1,613,684 alleles (0.00068%); highest among the groups gnomAD compares: East Asian, 0.0045%; no homozygotes.

Submissions (2):

GeneDx
Classification: Uncertain significance. Last evaluated: 2024-06-03. Review status: criteria provided, single submitter. Criteria: GeneDx Variant Classification Process June 2021. Collection method: clinical testing. Allele origin: germline. Affected: yes.
Comment: In silico analysis supports that this missense variant has a deleterious effect on protein structure/function; Has not been previously published as pathogenic or benign to our knowledge

Natera, Inc.
Classification: Uncertain significance for Hermansky-Pudlak syndrome. Last evaluated: 2020-04-10. Review status: no assertion criteria provided. Collection method: clinical testing. Allele origin: germline. Not counted in ClinVar's aggregate classification.